The following is an entry in ClinVar:

ClinVar aggregate classification (germline): Conflicting classifications of pathogenicity. Review status: criteria provided, conflicting classifications (1 of 4 stars). 2 submissions from 2 submitters: Uncertain significance (1); Likely benign (1). Last evaluated 2023-05-18.

Allele frequency attached by ClinVar (database versions not stated): gnomAD exomes 0.00006 and 0.00008; ExAC 0.00009; 1000 Genomes Project 30x 0.00016; 1000 Genomes Project 0.00020; TOPMed 0.00020; gnomAD 0.00021; ESP Exome Variant Server 0.00024.
gnomAD v4.1: 154 of 1,613,870 alleles (0.0095%); highest among the groups gnomAD compares: African/African-American, 0.069%; 1 homozygote.

Submissions (2):

GeneDx
Classification: Uncertain significance. Last evaluated: 2023-05-18. Review status: criteria provided, single submitter. Criteria: GeneDx Variant Classification Process June 2021. Collection method: clinical testing. Allele origin: germline. Affected: yes.
Comment: In silico analysis supports that this missense variant does not alter protein structure/function; Has not been previously published as pathogenic or benign to our knowledge

Laboratory for Molecular Medicine, Mass General Brigham Personalized Medicine
Classification: Likely benign. Last evaluated: 2016-02-21. Review status: criteria provided, single submitter. Criteria: LMM Criteria. Collection method: clinical testing. Allele origin: germline. Observed: 1 variant allele.
Comment: p.Ala376Val in exon 8 of SYNE4: This variant is not expected to have clinical si gnificance due to a lack of conservation in mammals. Of note, eight mammals have a valine (Val) at this position. This variant has been identified in 10/111468 of chromosomes by the Exome Aggregation Consortium (ExAC; dbSNP rs199938988).

NM_001039876.3(SYNE4):c.1127C>T (p.Ala376Val)

Gene: SYNE4 (spectrin repeat containing nuclear envelope family member 4; minus strand). Cytogenetic location: 19q13.12.
Variant type: single nucleotide variant.
Coding change: c.1127C>T on transcript NM_001039876.3 (MANE Select); coding-DNA position 1127, C replaced by T.
Protein change: p.Ala376Val; replaces alanine 376 with valine.
Molecular consequence: missense variant.
Genome position (GRCh38, 1-based): chr19:36,003,425, G>A on the plus strand (C>T on the coding strand, the complement: SYNE4 is on the minus strand). VCF-style: chr19-36003425-G-A. GRCh37 (hg19) VCF-style: chr19-36494327-G-A.
Other names: c.788C>T, p.Ala263Val (NM_001297735.3); c.1127C>T (NM_001039876.2); short protein forms A376V, A263V.
Identifiers: ClinVar variation 227974 (VCV000227974.6), dbSNP rs199938988, ClinGen allele CA9393744.